The following is an entry in ClinVar:

NM_004304.5(ALK):c.221C>G (p.Pro74Arg)

Gene: ALK (ALK receptor tyrosine kinase; minus strand). Cytogenetic location: 2p23.1.
Variant type: single nucleotide variant.
Coding change: c.221C>G on transcript NM_004304.5 (MANE Select); coding-DNA position 221, C replaced by G.
Protein change: p.Pro74Arg; replaces proline 74 with arginine.
Molecular consequence: missense variant.
Genome position (GRCh38, 1-based): chr2:29,920,439, G>C on the plus strand (C>G on the coding strand, the complement: ALK is on the minus strand). VCF-style: chr2-29920439-G-C. GRCh37 (hg19) VCF-style: chr2-30143305-G-C.
Other names: c.221C>G (NM_004304.4); short protein forms P74R.
Identifiers: ClinVar variation 1398531 (VCV001398531.13), dbSNP rs1187464179, ClinGen allele CA346590457.
Genomic context (GRCh38, chr2:29,920,439, plus strand): 5'-TCCAGAGCTAGCGAGCCGCGGGCCTCGGGCCTGCCAGCCTTCAGCTCCGAGGAGGATGGT[G>C]GCAGCAGTAGGTCCCGGGCGTAGACACGGAAGAGCGAGGGCACCACGAAGTCAACTGCCA-3'
Protein context (NP_004295.2, residues 64-84): FRVYARDLLL[Pro74Arg]PSSSELKAGR

ClinVar aggregate classification (germline): Uncertain significance. Review status: criteria provided, multiple submitters, no conflicts (2 of 4 stars). 3 submissions from 3 submitters: Uncertain significance (3). Last evaluated 2025-02-24.

Conditions:
Neuroblastoma, susceptibility to, 3. Also called: ALK-Related Neuroblastic Tumor Susceptibility. Identifiers: Orphanet 635, MedGen C2751681, MONDO:0013083, OMIM 613014.
Hereditary cancer-predisposing syndrome. Also called: Neoplastic Syndromes, Hereditary; Hereditary neoplastic syndrome; Hereditary Cancer Syndrome; Tumor predisposition. Identifiers: Orphanet 140162, MedGen C0027672, MeSH D009386, MONDO:0015356.

gnomAD v4.1: 2 of 1,608,166 alleles (0.00012%); highest among the groups gnomAD compares: African/African-American, 0.0027%; no homozygotes.

Submissions (3):

Ambry Genetics
Classification: Uncertain significance for Hereditary cancer-predisposing syndrome. Last evaluated: 2025-02-24. Review status: criteria provided, single submitter. Criteria: Ambry Variant Classification Scheme 2023. Collection method: clinical testing. Allele origin: germline.
Comment: The p.P74R variant (also known as c.221C>G), located in coding exon 1 of the ALK gene, results from a C to G substitution at nucleotide position 221. The proline at codon 74 is replaced by arginine, an amino acid with dissimilar properties. This amino acid position is conserved. In addition, this alteration is predicted to be tolerated by in silico analysis. Since supporting evidence is limited at this time, the clinical significance of this alteration remains unclear.

Labcorp Genetics (formerly Invitae), Labcorp
Classification: Uncertain significance for Neuroblastoma, susceptibility to, 3. Last evaluated: 2023-12-23. Review status: criteria provided, single submitter. Criteria: Invitae Variant Classification Sherloc (09022015). Collection method: clinical testing. Allele origin: germline.
Comment: This sequence change replaces proline, which is neutral and non-polar, with arginine, which is basic and polar, at codon 74 of the ALK protein (p.Pro74Arg). This variant is not present in population databases (gnomAD no frequency). This variant has not been reported in the literature in individuals affected with ALK-related conditions. ClinVar contains an entry for this variant (Variation ID: 1398531). An algorithm developed to predict the effect of missense changes on protein structure and function (PolyPhen-2) suggests that this variant is likely to be tolerated. In summary, the available evidence is currently insufficient to determine the role of this variant in disease. Therefore, it has been classified as a Variant of Uncertain Significance.

Baylor Genetics
Classification: Uncertain significance for Neuroblastoma, susceptibility to, 3. Last evaluated: 2023-10-24. Review status: criteria provided, single submitter. Criteria: ACMG Guidelines, 2015. Collection method: clinical testing. Allele origin: unknown.